The following is an entry in ClinVar:

ClinVar aggregate classification (germline): Likely pathogenic (1 of 4 stars; one submission).

Conditions:
Arrhythmogenic right ventricular dysplasia 8 (ARVD8). Also called: Arrhythmogenic Right Ventricular Dysplasia/Cardiomyopathy 8; ARRHYTHMOGENIC RIGHT VENTRICULAR DYSPLASIA, FAMILIAL, 8; ARRHYTHMOGENIC RIGHT VENTRICULAR CARDIOMYOPATHY 8. Identifiers: MedGen C1843896, MONDO:0011831, OMIM 607450.
Arrhythmogenic cardiomyopathy with wooly hair and keratoderma. Also called: PALMOPLANTAR KERATODERMA WITH LEFT VENTRICULAR CARDIOMYOPATHY AND WOOLLY HAIR; Dilated cardiomyopathy with woolly hair and keratoderma; Arrhythmogenic cardiomyopathy with woolly hair and keratoderma; Carvajal syndrome. Identifiers: Orphanet 65282, MedGen C1854063, MONDO:0011581, OMIM 605676.

Submission:

Labcorp Genetics (formerly Invitae), Labcorp
Classification: Likely pathogenic for Arrhythmogenic cardiomyopathy with wooly hair and keratoderma; Arrhythmogenic right ventricular dysplasia 8. Last evaluated: 2025-04-24. Review status: criteria provided, single submitter. Criteria: Invitae Variant Classification Sherloc (09022015). Collection method: clinical testing. Allele origin: germline.
Comment: This sequence change affects an acceptor splice site in intron 2 of the DSP gene. It is expected to disrupt RNA splicing. Variants that disrupt the donor or acceptor splice site typically lead to a loss of protein function (PMID: 16199547), and loss-of-function variants in DSP are known to be pathogenic (PMID: 20716751, 24503780, 25227139). This variant is not present in population databases (gnomAD no frequency). This variant has not been reported in the literature in individuals affected with DSP-related conditions. Algorithms developed to predict the effect of sequence changes on RNA splicing suggest that this variant may disrupt the consensus splice site. In summary, the currently available evidence indicates that the variant is pathogenic, but additional data are needed to prove that conclusively. Therefore, this variant has been classified as Likely Pathogenic.

Literature cited by the submitters: PubMed 16199547; PubMed 20716751; PubMed 24503780; PubMed 25227139.

NM_004415.4(DSP):c.274-2A>G

Gene: DSP (desmoplakin; plus strand). Cytogenetic location: 6p24.3.
Variant type: single nucleotide variant.
Coding change: c.274-2A>G on transcript NM_004415.4 (MANE Select); the canonical splice acceptor site of the intron before coding-DNA position 274, A replaced by G.
Molecular consequence: splice acceptor variant.
Genome position (GRCh38, 1-based): chr6:7,558,114, A>G. VCF-style: chr6-7558114-A-G. GRCh37 (hg19) VCF-style: chr6-7558347-A-G.
Other names: c.274-2A>G (NM_001319034.2, NM_001008844.3, NM_001406591.1).
Identifiers: ClinVar variation 4794614 (VCV004794614.1).